The following is an entry in ClinVar:

NM_000443.4(ABCB4):c.956G>C (p.Gly319Ala)

Gene: ABCB4 (ATP binding cassette subfamily B member 4; minus strand). Cytogenetic location: 7q21.12.
Variant type: single nucleotide variant.
Coding change: c.956G>C on transcript NM_000443.4 (MANE Select); coding-DNA position 956, G replaced by C.
Protein change: p.Gly319Ala; replaces glycine 319 with alanine.
Molecular consequence: missense variant.
Genome position (GRCh38, 1-based): chr7:87,447,083, C>G on the plus strand (G>C on the coding strand, the complement: ABCB4 is on the minus strand). VCF-style: chr7-87447083-C-G. GRCh37 (hg19) VCF-style: chr7-87076399-C-G.
Other names: c.956G>C, p.Gly319Ala (NM_018849.3, NM_018850.3); short protein forms G319A.
Identifiers: ClinVar variation 3902135 (VCV003902135.1).

ClinVar aggregate classification (germline): Uncertain significance (1 of 4 stars; one submission).

gnomAD v4.1: 1 of 1,613,784 alleles (0.000062%); highest among the groups gnomAD compares: Non-Finnish European, 0.000085%; no homozygotes.

Submission:

Women's Health and Genetics/Laboratory Corporation of America, LabCorp
Classification: Uncertain significance. Last evaluated: 2025-05-30. Review status: criteria provided, single submitter. Criteria: LabCorp Variant Classification Summary - May 2015. Collection method: clinical testing. Allele origin: germline.
Comment: Variant summary: ABCB4 c.956G>C (p.Gly319Ala) results in a non-conservative amino acid change in the encoded protein sequence. Algorithms developed to predict the effect of missense changes on protein structure and function all suggest that this variant is likely to be disruptive. The variant was absent in 251176 control chromosomes. The available data on variant occurrences in the general population are insufficient to allow any conclusion about variant significance. To our knowledge, no occurrence of c.956G>C in individuals affected with Familial Intrahepatic Cholestasis and no experimental evidence demonstrating its impact on protein function have been reported. No submitters have cited clinical-significance assessments for this variant to ClinVar. Based on the evidence outlined above, the variant was classified as uncertain significance.